The following is an entry in ClinVar:

NM_002878.4(RAD51D):c.154G>T (p.Ala52Ser)

Genes: RAD51L3-RFFL (RAD51L3-RFFL readthrough; minus strand), RAD51D (RAD51 paralog D; minus strand). Cytogenetic location: 17q12.
Variant type: single nucleotide variant.
Coding change: c.154G>T on transcript NM_002878.4 (MANE Select); coding-DNA position 154, G replaced by T.
Protein change: p.Ala52Ser; replaces alanine 52 with serine.
Molecular consequence: missense variant. On other transcripts: intron variant (2).
Genome position (GRCh38, 1-based): chr17:35,118,610, C>A on the plus strand (G>T on the coding strand, the complement: RAD51D is on the minus strand). VCF-style: chr17-35118610-C-A. GRCh37 (hg19) VCF-style: chr17-33445629-C-A.
Other names: c.144+501G>T (NM_133629.3, NM_001142571.2); short protein forms A52S.
Identifiers: ClinVar variation 950214 (VCV000950214.11), dbSNP rs1555570297, ClinGen allele CA399091599.
Genomic context (GRCh38, chr17:35,118,610, plus strand): 5'-AGAGATCAGCGCCATTCACGGGGAAAGCCGAGAACTGAGCCAGCAGCACCCGCCTCAGGG[C>A]AACCAGGGCCTGCCAAAGGGCCCCAGACTGCTCAGCAACAAATTGCCCGTAGAAGCTGGC-3'
Protein context (NP_002869.3, residues 42-62): KCGLSYKALV[Ala52Ser]LRRVLLAQFS

ClinVar aggregate classification (germline): Uncertain significance. Review status: criteria provided, multiple submitters, no conflicts (2 of 4 stars). 2 submissions from 2 submitters: Uncertain significance (2). Last evaluated 2022-10-28.

Conditions:
Hereditary cancer-predisposing syndrome. Also called: Tumor predisposition; Hereditary neoplastic syndrome; Neoplastic Syndromes, Hereditary; Hereditary Cancer Syndrome. Identifiers: Orphanet 140162, MedGen C0027672, MeSH D009386, MONDO:0015356.
Breast-ovarian cancer, familial, susceptibility to, 4. Identifiers: Orphanet 145, MedGen C3280345, MONDO:0013669, OMIM 614291.

gnomAD v4.1: 1 of 1,614,142 alleles (0.000062%); highest among the groups gnomAD compares: Non-Finnish European, 0.000085%; no homozygotes.

Submissions (2):

Labcorp Genetics (formerly Invitae), Labcorp
Classification: Uncertain significance for Breast-ovarian cancer, familial, susceptibility to, 4. Last evaluated: 2022-10-28. Review status: criteria provided, single submitter. Criteria: Invitae Variant Classification Sherloc (09022015). Collection method: clinical testing. Allele origin: germline.
Comment: Advanced modeling of protein sequence and biophysical properties (such as structural, functional, and spatial information, amino acid conservation, physicochemical variation, residue mobility, and thermodynamic stability) performed at Invitae indicates that this missense variant is not expected to disrupt RAD51D protein function. In summary, the available evidence is currently insufficient to determine the role of this variant in disease. Therefore, it has been classified as a Variant of Uncertain Significance. ClinVar contains an entry for this variant (Variation ID: 950214). This sequence change replaces alanine, which is neutral and non-polar, with serine, which is neutral and polar, at codon 52 of the RAD51D protein (p.Ala52Ser). This variant is not present in population databases (gnomAD no frequency). This variant has not been reported in the literature in individuals affected with RAD51D-related conditions.

Ambry Genetics
Classification: Uncertain significance for Hereditary cancer-predisposing syndrome. Last evaluated: 2022-01-16. Review status: criteria provided, single submitter. Criteria: Ambry Variant Classification Scheme 2023. Collection method: clinical testing. Allele origin: germline.
Comment: The p.A52S variant (also known as c.154G>T), located in coding exon 3 of the RAD51D gene, results from a G to T substitution at nucleotide position 154. The alanine at codon 52 is replaced by serine, an amino acid with similar properties. This amino acid position is conserved. In addition, this alteration is predicted to be tolerated by in silico analysis. Since supporting evidence is limited at this time, the clinical significance of this alteration remains unclear.